The following is an entry in ClinVar:

ClinVar aggregate classification (germline): Likely pathogenic (1 of 4 stars; one submission).

Submission:

Labcorp Genetics (formerly Invitae), Labcorp
Classification: Likely pathogenic. Last evaluated: 2025-06-15. Review status: criteria provided, single submitter. Criteria: Invitae Variant Classification Sherloc (09022015). Collection method: clinical testing. Allele origin: germline.
Comment: This sequence change replaces glycine, which is neutral and non-polar, with glutamic acid, which is acidic and polar, at codon 417 of the COL2A1 protein (p.Gly417Glu). This variant is not present in population databases (gnomAD no frequency). This missense change has been observed in individual(s) with spondyloepiphyseal dysplasia congenita (internal data). ClinVar contains an entry for this variant (Variation ID: 2027023). Invitae Evidence Modeling of protein sequence and biophysical properties (such as structural, functional, and spatial information, amino acid conservation, physicochemical variation, residue mobility, and thermodynamic stability) indicates that this missense variant is expected to disrupt COL2A1 protein function with a positive predictive value of 95%. This variant disrupts the triple helix domain of COL2A1. Glycine residues within the Gly-Xaa-Yaa repeats of the triple helix domain are required for the structure and stability of fibrillar collagens (PMID: 7695699, 8218237, 19344236). In COL2A1, variants affecting these glycine residues are significantly enriched in individuals with disease (PMID: 9016532, 17078022) compared to the general population (ExAC). In summary, the currently available evidence indicates that the variant is pathogenic, but additional data are needed to prove that conclusively. Therefore, this variant has been classified as Likely Pathogenic.

Literature cited by the submitters: PubMed 7695699; PubMed 8218237; PubMed 19344236; PubMed 9016532; PubMed 17078022.

NM_001844.5(COL2A1):c.1250G>A (p.Gly417Glu)

Gene: COL2A1 (collagen type II alpha 1 chain; minus strand). Cytogenetic location: 12q13.11.
Variant type: single nucleotide variant.
Coding change: c.1250G>A on transcript NM_001844.5 (MANE Select); coding-DNA position 1250, G replaced by A.
Protein change: p.Gly417Glu; replaces glycine 417 with glutamic acid.
Molecular consequence: missense variant.
Genome position (GRCh38, 1-based): chr12:47,987,285, C>T on the plus strand (G>A on the coding strand, the complement: COL2A1 is on the minus strand). VCF-style: chr12-47987285-C-T. GRCh37 (hg19) VCF-style: chr12-48381068-C-T.
Other names: c.1043G>A, p.Gly348Glu (NM_033150.3); short protein forms G348E, G417E.
Identifiers: ClinVar variation 2027023 (VCV002027023.4), dbSNP rs2136577094, ClinGen allele CA384554184.
Genomic context (GRCh38, chr12:47,987,285, plus strand): 5'-GACTGGGCTCTCCTGGGGTAGCAAAGTCCACGGGCAACACTCACAGCAGATCCTTTGGCT[C>T]CAGGAATTCCATCTGTTCCAGGGTTACCCTGAAAAGGGAGACATTGTCAAATAAGCAGCA-3'
Protein context (NP_001835.3, residues 407-427): SGNPGTDGIP[Gly417Glu]AKGSAGAPGI